The following is an entry in ClinVar:

NM_001267550.2(TTN):c.103588AAG[1] (p.Lys34531del)

Genes: TTN (titin; minus strand), TTN-AS1 (TTN antisense RNA 1; plus strand). Cytogenetic location: 2q31.2.
Variant type: Microsatellite.
Coding change: c.103588AAG[1] on transcript NM_001267550.2 (MANE Select); one copy of the 3-base unit AAG starting at c.103588; the reference has two copies in a row; one copy, 3 bases deleted.
Protein change: p.Lys34531del; deletes lysine 34531.
Molecular consequence: inframe deletion.
Genome position (GRCh38, 1-based): chr2:178,533,022-178,533,024, CTT deleted on the plus strand (AAG on the coding strand, the reverse complement: TTN is on the minus strand); deleting any 3 consecutive bases within chr2:178,533,022-178,533,027 gives the same sequence; the position shown is the placement nearest the transcript's 3' end. VCF-style (leftmost placement, unchanged base first): chr2-178533021-CCTT-C. GRCh37 (hg19) VCF-style: chr2-179397748-CCTT-C.
Other names: c.98665AAG[1], p.Lys32890del (NM_001256850.1); c.76393AAG[1], p.Lys25466del (NM_003319.4); c.95884AAG[1], p.Lys31963del (NM_133378.4); c.76768AAG[1], p.Lys25591del (NM_133432.3); c.76969AAG[1], p.Lys25658del (NM_133437.4); c.76396_76398delAAG (NM_003319.4); short protein forms K25466del, K25591del, K25658del, K31963del, K32890del, K34531del.
Identifiers: ClinVar variation 4866170 (VCV004866170.1).

ClinVar aggregate classification (germline): Uncertain significance (1 of 4 stars; one submission).

Conditions:
Cardiovascular phenotype. Identifiers: MedGen CN230736.

Submission:

Ambry Genetics
Classification: Uncertain significance for Cardiovascular phenotype. Last evaluated: 2026-05-05. Review status: criteria provided, single submitter. Criteria: Ambry Variant Classification Scheme 2023. Collection method: clinical testing. Allele origin: germline.
Comment: The c.76396_76398delAAG variant (also known as p.K25466del) is located in coding exon 185 of the TTN gene. This variant results from an in-frame AAG deletion at nucleotide positions 76396 to 76398. This results in the in-frame deletion of a lysine at codon 25466. This exon is located in the M-band region of the N2-B isoform of the titin protein and is constitutively expressed in TTN transcripts (percent spliced in or PSI 100%). This amino acid position is highly conserved in available vertebrate species. In addition, this variant is predicted to be deleterious by in silico analysis (Choi Y et al. PLoS ONE. 2012; 7(10):e46688). Based on the available evidence, the clinical significance of this variant remains unclear.